The following is an entry in ClinVar:

NM_001366385.1(CARD14):c.746A>C (p.Gln249Pro)

Gene: CARD14 (caspase recruitment domain family member 14; plus strand). Cytogenetic location: 17q25.3.
Variant type: single nucleotide variant.
Coding change: c.746A>C on transcript NM_001366385.1 (MANE Select); coding-DNA position 746, A replaced by C.
Protein change: p.Gln249Pro; replaces glutamine 249 with proline.
Molecular consequence: missense variant. On other transcripts: non-coding transcript variant (1).
Genome position (GRCh38, 1-based): chr17:80,188,447, A>C. VCF-style: chr17-80188447-A-C. GRCh37 (hg19) VCF-style: chr17-78162246-A-C.
Other names: c.746A>C, p.Gln249Pro (NM_001257970.1, NM_024110.4); c.35A>C, p.Gln12Pro (NM_052819.3); short protein forms Q12P, Q249P.
Identifiers: ClinVar variation 1084454 (VCV001084454.11), dbSNP rs555281512, ClinGen allele CA8816510.
Genomic context (GRCh38, chr17:80,188,447, plus strand): 5'-TGAAGCAGGAGCTGCAGCGAGCCAACATGGTTTCCTCCTGTGAGCTGGAATTGCAAGAGC[A>C]GTCCCTGAGGACAGCCAGCGACCAGGAGTCCGGGGATGAGGAGCTGAACCGCCTGAAGGA-3'
Protein context (NP_001353314.1, residues 239-259): VSSCELELQE[Gln249Pro]SLRTASDQES

ClinVar aggregate classification (germline): Likely benign. Review status: criteria provided, multiple submitters, no conflicts (2 of 4 stars). 3 submissions from 3 submitters: Likely benign (3). Last evaluated 2026-02-16.

Conditions:
CARD14-related disorder. Also called: CARD14-related condition.
Psoriasis 2. Identifiers: MedGen C1864497, MONDO:0011269, OMIM 602723.
Pityriasis rubra pilaris (PRP). Also called: Pityriasis rubra pilaris--familial type. Identifiers: Orphanet 2897, MedGen C0032027, MONDO:0100017, OMIM 173200, MONDO:0008251.

Allele frequency attached by ClinVar (database versions not stated): gnomAD exomes 0.00004 and 0.00020; TOPMed 0.00005; gnomAD 0.00007 and 0.00009; ExAC 0.00016; 1000 Genomes Project 30x 0.00047; 1000 Genomes Project 0.00060.

Submissions (3):

PreventionGenetics, part of Exact Sciences
Classification: Likely benign for CARD14-related condition. Last evaluated: 2026-02-16. Review status: criteria provided, single submitter. Criteria: ACMG Guidelines, 2015. Collection method: clinical testing. Allele origin: germline.
Comment: This variant is classified as likely benign based on ACMG/AMP sequence variant interpretation guidelines (Richards et al. 2015 PMID: 25741868, with internal and published modifications).

Labcorp Genetics (formerly Invitae), Labcorp
Classification: Likely benign for Pityriasis rubra pilaris; Psoriasis 2. Last evaluated: 2026-01-27. Review status: criteria provided, single submitter. Criteria: Invitae Variant Classification Sherloc (09022015). Collection method: clinical testing. Allele origin: germline.

Blueprint Genetics
Classification: Likely benign. Last evaluated: 2024-03-07. Review status: criteria provided, single submitter. Criteria: ACMG Guidelines, 2015. Collection method: clinical testing. Allele origin: germline.